The following is an entry in ClinVar:

NM_030665.4(RAI1):c.5366G>A (p.Arg1789Gln)

Gene: RAI1 (retinoic acid induced 1; plus strand). Cytogenetic location: 17p11.2.
Variant type: single nucleotide variant.
Coding change: c.5366G>A on transcript NM_030665.4 (MANE Select); coding-DNA position 5366, G replaced by A.
Protein change: p.Arg1789Gln; replaces arginine 1789 with glutamine.
Molecular consequence: missense variant.
Genome position (GRCh38, 1-based): chr17:17,798,314, G>A. VCF-style: chr17-17798314-G-A. GRCh37 (hg19) VCF-style: chr17-17701628-G-A.
Other names: short protein forms R1789Q.
Identifiers: ClinVar variation 1215170 (VCV001215170.44), dbSNP rs368587743, ClinGen allele CA8419142.
Genomic context (GRCh38, chr17:17,798,314, plus strand): 5'-TGCGCACCAGTGCCCGGGGCCTGTCCCGGAGGCTGCAGAGCTGCTACTGCTGTGATGGCC[G>A]GGAGGATGGGGGCGAGGAGGCAGCCCCAGCCGACAAGGGTCGCAAACATGAGTGCAGCAA-3'
Protein context (NP_109590.3, residues 1779-1799): RLQSCYCCDG[Arg1789Gln]EDGGEEAAPA

ClinVar aggregate classification (germline): Benign/Likely benign. Review status: criteria provided, multiple submitters, no conflicts (2 of 4 stars). 8 submissions from 8 submitters: Benign (1); Likely benign (6). 1 of the submissions does not count toward it. Last evaluated 2026-07-01.

Conditions:
Inborn genetic diseases. Identifiers: MedGen C0950123, MeSH D030342.
RAI1-related disorder. Also called: RAI1-related condition.

Allele frequency attached by ClinVar (database versions not stated): gnomAD exomes 0.00007 and 0.00013; gnomAD 0.00009 and 0.00010; TOPMed 0.00012; ESP Exome Variant Server 0.00016; ExAC 0.00018.
gnomAD v4.1: 118 of 1,595,568 alleles (0.0074%); highest among the groups gnomAD compares: Middle Eastern, 0.13%; no homozygotes.

Submissions (8):

CeGaT Center for Human Genetics Tuebingen
Classification: Likely benign. Last evaluated: 2026-07-01. Review status: criteria provided, single submitter. Criteria: CeGaT Center For Human Genetics Tuebingen Variant Classification Criteria Version 2. Collection method: clinical testing. Allele origin: germline. Affected: yes. Observed: 4 variant alleles.
Comment: RAI1: BP4

Labcorp Genetics (formerly Invitae), Labcorp
Classification: Benign. Last evaluated: 2026-01-24. Review status: criteria provided, single submitter. Criteria: Invitae Variant Classification Sherloc (09022015). Collection method: clinical testing. Allele origin: germline.

Blueprint Genetics
Classification: Likely benign. Last evaluated: 2024-07-16. Review status: criteria provided, single submitter. Criteria: ACMG Guidelines, 2015. Collection method: clinical testing. Allele origin: germline.

Genetic Services Laboratory, University of Chicago
Classification: Likely benign. Last evaluated: 2021-11-16. Review status: criteria provided, single submitter. Criteria: ACMG Guidelines, 2015. Collection method: clinical testing. Allele origin: germline. Affected: no.

GeneDx
Classification: Likely benign. Last evaluated: 2021-06-07. Review status: criteria provided, single submitter. Criteria: GeneDx Variant Classification Process June 2021. Collection method: clinical testing. Allele origin: germline. Affected: yes.

Laboratorio de Genetica e Diagnostico Molecular, Hospital Israelita Albert Einstein
Classification: Likely benign. Last evaluated: 2020-12-29. Review status: criteria provided, single submitter. Criteria: ACMG Guidelines, 2015. Collection method: clinical testing. Allele origin: germline. Affected: yes.
Comment: ACMG classification criteria: BS1, BP4

Ambry Genetics
Classification: Likely benign for Inborn genetic diseases. Last evaluated: 2018-06-26. Review status: criteria provided, single submitter. Criteria: Ambry Variant Classification Scheme 2023. Collection method: clinical testing. Allele origin: germline.

PreventionGenetics, part of Exact Sciences
Classification: Likely benign for RAI1-related condition. Last evaluated: 2022-06-22. Review status: no assertion criteria provided. Collection method: clinical testing. Allele origin: germline. Not counted in ClinVar's aggregate classification.
Comment: This variant is classified as likely benign based on ACMG/AMP sequence variant interpretation guidelines (Richards et al. 2015 PMID: 25741868, with internal and published modifications).